The following is an entry in ClinVar:

ClinVar aggregate classification (germline): Likely benign (1 of 4 stars; one submission).

gnomAD v4.1: 13 of 1,613,452 alleles (0.00081%); highest among the groups gnomAD compares: Non-Finnish European, 0.001%; no homozygotes.

Submission:

CeGaT Center for Human Genetics Tuebingen
Classification: Likely benign. Last evaluated: 2025-04-01. Review status: criteria provided, single submitter. Criteria: CeGaT Center For Human Genetics Tuebingen Variant Classification Criteria Version 2. Collection method: clinical testing. Allele origin: germline. Affected: yes. Observed: 1 variant allele.
Comment: ERCC5: BP4, BP7

NM_000123.4(ERCC5):c.3246T>C (p.Asn1082=)

Genes: BIVM-ERCC5 (BIVM-ERCC5 readthrough; plus strand), ERCC5 (ERCC excision repair 5, endonuclease; plus strand). Cytogenetic location: 13q33.1.
Variant type: single nucleotide variant.
Coding change: c.3246T>C on transcript NM_000123.4 (MANE Select); coding-DNA position 3246, T replaced by C.
Protein change: p.Asn1082=; no amino-acid change (asparagine 1082 retained).
Molecular consequence: synonymous variant.
Genome position (GRCh38, 1-based): chr13:102,875,588, T>C. VCF-style: chr13-102875588-T-C. GRCh37 (hg19) VCF-style: chr13-103527938-T-C.
Other names: c.4608T>C, p.Asn1536= (NM_001204425.2).
Identifiers: ClinVar variation 3898418 (VCV003898418.7).
Genomic context (GRCh38, chr13:102,875,588, plus strand): 5'-TACCTTAGAAGAGTCATCAAGCCTGAAAAGAAAGAGGCTTTCAGATTCTAAAGGAAAGAA[T>C]ACATGCGGTGGATTTTTGGGGGAGACCTGCCTCTCAGAATCATCTGATGGATCTTCAAGT-3'
Protein context (NP_000114.3, residues 1072-1092): RKRLSDSKGK[Asn1082=]TCGGFLGETC